The following is an entry in ClinVar:

NM_031220.4(PITPNM3):c.680C>T (p.Pro227Leu)

Gene: PITPNM3 (PITPNM family member 3; minus strand). Cytogenetic location: 17p13.2.
Variant type: single nucleotide variant.
Coding change: c.680C>T on transcript NM_031220.4 (MANE Select); coding-DNA position 680, C replaced by T.
Protein change: p.Pro227Leu; replaces proline 227 with leucine.
Molecular consequence: missense variant.
Genome position (GRCh38, 1-based): chr17:6,478,644, G>A on the plus strand (C>T on the coding strand, the complement: PITPNM3 is on the minus strand). VCF-style: chr17-6478644-G-A. GRCh37 (hg19) VCF-style: chr17-6381964-G-A.
Other names: c.680C>T (NM_031220.3); c.572C>T, p.Pro191Leu (NM_001165966.2); short protein forms P191L, P227L.
Identifiers: ClinVar variation 1385074 (VCV001385074.9), dbSNP rs529215353, ClinGen allele CA8329772.

ClinVar aggregate classification (germline): Uncertain significance. Review status: criteria provided, multiple submitters, no conflicts (2 of 4 stars). 2 submissions from 2 submitters: Uncertain significance (2). Last evaluated 2025-10-29.

Allele frequency attached by ClinVar (database versions not stated): 1000 Genomes Project 30x 0.00016; 1000 Genomes Project 0.00020.
gnomAD v4.1: 31 of 1,613,832 alleles (0.0019%); highest among the groups gnomAD compares: Non-Finnish European, 0.002%; no homozygotes.

Submissions (2):

Ambry Genetics
Classification: Uncertain significance. Last evaluated: 2025-10-29. Review status: criteria provided, single submitter. Criteria: Ambry Variant Classification Scheme 2023. Collection method: clinical testing. Allele origin: germline.

Labcorp Genetics (formerly Invitae), Labcorp
Classification: Uncertain significance. Last evaluated: 2025-03-17. Review status: criteria provided, single submitter. Criteria: Invitae Variant Classification Sherloc (09022015). Collection method: clinical testing. Allele origin: germline.
Comment: This sequence change replaces proline, which is neutral and non-polar, with leucine, which is neutral and non-polar, at codon 227 of the PITPNM3 protein (p.Pro227Leu). This variant is present in population databases (rs529215353, gnomAD 0.006%). This variant has not been reported in the literature in individuals affected with PITPNM3-related conditions. ClinVar contains an entry for this variant (Variation ID: 1385074). Invitae Evidence Modeling of protein sequence and biophysical properties (such as structural, functional, and spatial information, amino acid conservation, physicochemical variation, residue mobility, and thermodynamic stability) indicates that this missense variant is not expected to disrupt PITPNM3 protein function with a negative predictive value of 80%. In summary, the available evidence is currently insufficient to determine the role of this variant in disease. Therefore, it has been classified as a Variant of Uncertain Significance.